The following is an entry in ClinVar:

NM_001190274.2(FBXO11):c.66_71del (p.Gln25_Gln26del)

Genes: FBXO11 (F-box protein 11; minus strand), LOC100506235 (uncharacterized LOC100506235; plus strand). Cytogenetic location: 2p16.3.
Variant type: Deletion.
Coding change: c.66_71del on transcript NM_001190274.2 (MANE Select); coding-DNA positions 66 to 71, 6 bases deleted (ACAGCA; older notation c.66_71delACAGCA).
Protein change: p.Gln25_Gln26del.
Molecular consequence: non-coding transcript variant (on NR_187636.1).
Genome position (GRCh38, 1-based): chr2:47,905,650-47,905,655, TGCTGT deleted on the plus strand (ACAGCA on the coding strand, the reverse complement: FBXO11 is on the minus strand); deleting any 6 consecutive bases within chr2:47,905,650-47,905,660 gives the same sequence; the c. name uses the placement nearest the transcript's 3' end. VCF-style (leftmost placement, unchanged base first): chr2-47905649-CTGCTGT-C. GRCh37 (hg19) VCF-style: chr2-48132788-CTGCTGT-C.
Identifiers: ClinVar variation 2532699 (VCV002532699.3), dbSNP rs1678753372, ClinGen allele CA1030312826.

ClinVar aggregate classification (germline): Conflicting classifications of pathogenicity. Review status: criteria provided, conflicting classifications (1 of 4 stars). 2 submissions from 2 submitters: Uncertain significance (1); Likely benign (1). Last evaluated 2025-08-29.

Conditions:
Inborn genetic diseases. Identifiers: MedGen C0950123, MeSH D030342.

Submissions (2):

Labcorp Genetics (formerly Invitae), Labcorp
Classification: Uncertain significance. Last evaluated: 2025-08-29. Review status: criteria provided, single submitter. Criteria: Invitae Variant Classification Sherloc (09022015). Collection method: clinical testing. Allele origin: germline.
Comment: This variant, c.66_71del, results in the deletion of 2 amino acid(s) of the FBXO11 protein (p.Gln25_Gln26del), but otherwise preserves the integrity of the reading frame. This variant is not present in population databases (gnomAD no frequency). This variant has not been reported in the literature in individuals affected with FBXO11-related conditions. ClinVar contains an entry for this variant (Variation ID: 2532699). Experimental studies and prediction algorithms are not available or were not evaluated, and the functional significance of this variant is currently unknown. In summary, the available evidence is currently insufficient to determine the role of this variant in disease. Therefore, it has been classified as a Variant of Uncertain Significance.

Ambry Genetics
Classification: Likely benign for Inborn genetic diseases. Last evaluated: 2023-04-25. Review status: criteria provided, single submitter. Criteria: Ambry Variant Classification Scheme 2023. Collection method: clinical testing. Allele origin: germline.